The following is an entry in ClinVar:

ClinVar aggregate classification (germline): Uncertain significance. Review status: criteria provided, multiple submitters, no conflicts (2 of 4 stars). 2 submissions from 2 submitters: Uncertain significance (2). Last evaluated 2025-04-14.

Conditions:
Beta-D-mannosidosis (MANSB). Also called: MANNOSIDOSIS, BETA A, LYSOSOMAL; BETA-MANNOSIDASE DEFICIENCY; LYSOSOMAL BETA-MANNOSIDASE DEFICIENCY; Beta-Mannosidosis. Identifiers: Orphanet 118, MedGen C4048196, MONDO:0009562, OMIM 248510.
Inborn genetic diseases. Identifiers: MedGen C0950123, MeSH D030342.

Allele frequency attached by ClinVar (database versions not stated): gnomAD 0.00004; TOPMed 0.00009.
gnomAD v4.1: 45 of 1,550,746 alleles (0.0029%); highest among the groups gnomAD compares: Admixed American, 0.037%; no homozygotes.

Submissions (2):

Ambry Genetics
Classification: Uncertain significance for Inborn genetic diseases. Last evaluated: 2025-04-14. Review status: criteria provided, single submitter. Criteria: Ambry Variant Classification Scheme 2023. Collection method: clinical testing. Allele origin: germline.

Labcorp Genetics (formerly Invitae), Labcorp
Classification: Uncertain significance for Beta-D-mannosidosis. Last evaluated: 2022-10-18. Review status: criteria provided, single submitter. Criteria: Invitae Variant Classification Sherloc (09022015). Collection method: clinical testing. Allele origin: germline.
Comment: This sequence change replaces glycine, which is neutral and non-polar, with arginine, which is basic and polar, at codon 42 of the MANBA protein (p.Gly42Arg). This variant is present in population databases (rs776864457, gnomAD 0.05%). This variant has not been reported in the literature in individuals affected with MANBA-related conditions. ClinVar contains an entry for this variant (Variation ID: 1418128). Advanced modeling of protein sequence and biophysical properties (such as structural, functional, and spatial information, amino acid conservation, physicochemical variation, residue mobility, and thermodynamic stability) performed at Invitae indicates that this missense variant is expected to disrupt MANBA protein function. In summary, the available evidence is currently insufficient to determine the role of this variant in disease. Therefore, it has been classified as a Variant of Uncertain Significance.

NM_005908.4(MANBA):c.124G>A (p.Gly42Arg)

Genes: MANBA (mannosidase beta; minus strand), LOC129992886 (ATAC-STARR-seq lymphoblastoid active region 21757; plus strand). Cytogenetic location: 4q24.
Variant type: single nucleotide variant.
Coding change: c.124G>A on transcript NM_005908.4 (MANE Select); coding-DNA position 124, G replaced by A.
Protein change: p.Gly42Arg; replaces glycine 42 with arginine.
Molecular consequence: missense variant.
Genome position (GRCh38, 1-based): chr4:102,760,771, C>T on the plus strand (G>A on the coding strand, the complement: MANBA is on the minus strand). VCF-style: chr4-102760771-C-T. GRCh37 (hg19) VCF-style: chr4-103681928-C-T.
Other names: c.124G>A (NM_005908.3); short protein forms G42R.
Identifiers: ClinVar variation 1418128 (VCV001418128.7), dbSNP rs776864457, ClinGen allele CA3027333.
Genomic context (GRCh38, chr4:102,760,771, plus strand): 5'-GCCATACCTGGATCAGGCCCTGCTGGAACAAGGCGCTGTGCACGCAGCCAGGGACCGCCC[C>T]GGGCAGCTCCAGCGAGCCGTTCCCATTGCAGATGCTCCAGTTGCCACGCAAGCTGTAACT-3'
Protein context (NP_005899.3, residues 32-52): CNGNGSLELP[Gly42Arg]AVPGCVHSAL